The following is an entry in ClinVar:

NM_014363.6(SACS):c.12835C>G (p.Leu4279Val)

Gene: SACS (sacsin molecular chaperone; minus strand). Cytogenetic location: 13q12.12.
Variant type: single nucleotide variant.
Coding change: c.12835C>G on transcript NM_014363.6 (MANE Select); coding-DNA position 12835, C replaced by G.
Protein change: p.Leu4279Val; replaces leucine 4279 with valine.
Molecular consequence: missense variant.
Genome position (GRCh38, 1-based): chr13:23,331,041, G>C on the plus strand (C>G on the coding strand, the complement: SACS is on the minus strand). VCF-style: chr13-23331041-G-C. GRCh37 (hg19) VCF-style: chr13-23905180-G-C.
Other names: c.12835C>G (NM_014363.4); c.12394C>G, p.Leu4132Val (NM_001278055.2); short protein forms L4132V, L4279V.
Identifiers: ClinVar variation 1343974 (VCV001343974.10), dbSNP rs537725928, ClinGen allele CA6910071.

ClinVar aggregate classification (germline): Conflicting classifications of pathogenicity. Review status: criteria provided, conflicting classifications (1 of 4 stars). 4 submissions from 4 submitters: Uncertain significance (2); Benign (1); Likely benign (1). Last evaluated 2026-01-25.

Conditions:
Inborn genetic diseases. Identifiers: MedGen C0950123, MeSH D030342.
Spastic paraplegia. Identifiers: MedGen C0037772, HP:0001258.
Hereditary spastic paraplegia. Also called: Familial spastic paraparesis. Identifiers: Orphanet 685, MedGen C0037773, MONDO:0019064. Disease mechanism: loss of function.

Allele frequency attached by ClinVar (database versions not stated): TOPMed below 0.00001; gnomAD 0.00001; gnomAD exomes 0.00002 and 0.00005; ExAC 0.00005.
gnomAD v4.1: 38 of 1,614,014 alleles (0.0024%); highest among the groups gnomAD compares: South Asian, 0.034%; no homozygotes.

Submissions (4):

Labcorp Genetics (formerly Invitae), Labcorp
Classification: Benign for Spastic paraplegia. Last evaluated: 2026-01-25. Review status: criteria provided, single submitter. Criteria: Invitae Variant Classification Sherloc (09022015). Collection method: clinical testing. Allele origin: germline.

Ambry Genetics
Classification: Uncertain significance for Inborn genetic diseases. Last evaluated: 2025-03-25. Review status: criteria provided, single submitter. Criteria: Ambry Variant Classification Scheme 2023. Collection method: clinical testing. Allele origin: germline.

Athena Diagnostics
Classification: Likely benign. Last evaluated: 2025-01-22. Review status: criteria provided, single submitter. Criteria: Athena Diagnostics Criteria. Collection method: clinical testing. Allele origin: unknown.
Comment: The frequency of this variant in the general population is higher than would generally be expected for pathogenic variants in this gene. Computational tools predict this amino acid change may be benign.

Genome Diagnostics Laboratory, The Hospital for Sick Children
Classification: Uncertain significance for Hereditary spastic paraplegia. Last evaluated: 2018-05-01. Review status: criteria provided, single submitter. Criteria: ACMG Guidelines, 2015. Collection method: clinical testing. Allele origin: germline. Affected: yes.